The following is an entry in ClinVar:

NM_006912.6(RIT1):c.575C>T (p.Ala192Val)

Gene: RIT1 (Ras like without CAAX 1; minus strand). Cytogenetic location: 1q22.
Variant type: single nucleotide variant.
Coding change: c.575C>T on transcript NM_006912.6 (MANE Select); coding-DNA position 575, C replaced by T.
Protein change: p.Ala192Val; replaces alanine 192 with valine.
Molecular consequence: missense variant.
Genome position (GRCh38, 1-based): chr1:155,900,473, G>A on the plus strand (C>T on the coding strand, the complement: RIT1 is on the minus strand). VCF-style: chr1-155900473-G-A. GRCh37 (hg19) VCF-style: chr1-155870264-G-A.
Other names: c.575C>T, p.Ala192Val (LRG_1372t1); c.467C>T, p.Ala156Val (NM_001256820.2); c.626C>T, p.Ala209Val (NM_001256821.2); c.575C>T (NM_006912.4); short protein forms A192V, A156V, A209V.
Identifiers: ClinVar variation 280768 (VCV000280768.14), dbSNP rs376391961, ClinGen allele CA1151769.
Genomic context (GRCh38, chr1:155,900,473, plus strand): 5'-CGGAATGGTGATTTTAGCCTCTTCCATACACTGTTTTTGGGCTTAGATTTTTTCTCCATG[G>A]CCAGTACTGCCTCCTTTTCTTTCCTACGTATCTCCCGTACAAGGGCATGGAAAACATCAT-3'
Protein context (NP_008843.1, residues 182-202): IRRKEKEAVL[Ala192Val]MEKKSKPKNS

ClinVar aggregate classification (germline): Uncertain significance. Review status: criteria provided, multiple submitters, no conflicts (2 of 4 stars). 7 submissions from 7 submitters: Uncertain significance (7). Last evaluated 2024-01-02.

Conditions:
Cardiovascular phenotype. Identifiers: MedGen CN230736.
Noonan syndrome 8 (NS8). Identifiers: Orphanet 648, MedGen C3809233, MONDO:0014143, OMIM 615355.

Allele frequency attached by ClinVar (database versions not stated): ExAC 0.00001; gnomAD 0.00001; gnomAD exomes 0.00001; TOPMed 0.00002; ESP Exome Variant Server 0.00008.
gnomAD v4.1: 14 of 1,613,880 alleles (0.00087%); highest among the groups gnomAD compares: African/African-American, 0.0013%; no homozygotes.

Submissions (7):

Ambry Genetics
Classification: Uncertain significance for Cardiovascular phenotype. Last evaluated: 2024-01-02. Review status: criteria provided, single submitter. Criteria: Ambry Variant Classification Scheme 2023. Collection method: clinical testing. Allele origin: germline.
Comment: The p.A192V variant (also known as c.575C>T), located in coding exon 5 of the RIT1 gene, results from a C to T substitution at nucleotide position 575. The alanine at codon 192 is replaced by valine, an amino acid with similar properties. This amino acid position is highly conserved in available vertebrate species. In addition, this alteration is predicted to be tolerated by in silico analysis. Since supporting evidence is limited at this time, the clinical significance of this alteration remains unclear.

Labcorp Genetics (formerly Invitae), Labcorp
Classification: Uncertain significance for Noonan syndrome 8. Last evaluated: 2023-11-09. Review status: criteria provided, single submitter. Criteria: Invitae Variant Classification Sherloc (09022015). Collection method: clinical testing. Allele origin: germline.
Comment: This sequence change replaces alanine, which is neutral and non-polar, with valine, which is neutral and non-polar, at codon 192 of the RIT1 protein (p.Ala192Val). This variant is present in population databases (rs376391961, gnomAD 0.004%). This variant has not been reported in the literature in individuals affected with RIT1-related conditions. ClinVar contains an entry for this variant (Variation ID: 280768). Advanced modeling of protein sequence and biophysical properties (such as structural, functional, and spatial information, amino acid conservation, physicochemical variation, residue mobility, and thermodynamic stability) performed at Invitae indicates that this missense variant is not expected to disrupt RIT1 protein function with a negative predictive value of 95%. In summary, the available evidence is currently insufficient to determine the role of this variant in disease. Therefore, it has been classified as a Variant of Uncertain Significance.

Genome-Nilou Lab
Classification: Uncertain significance for Noonan syndrome 8. Last evaluated: 2023-04-11. Review status: criteria provided, single submitter. Criteria: ACMG Guidelines, 2015. Collection method: clinical testing. Allele origin: germline. Affected: no.

Institute for Clinical Genetics, University Hospital TU Dresden, University Hospital TU Dresden
Classification: Uncertain significance. Last evaluated: 2021-11-03. Review status: criteria provided, single submitter. Criteria: ACMG Guidelines, 2015. Collection method: clinical testing. Allele origin: germline.

Fulgent Genetics
Classification: Uncertain significance for Noonan syndrome 8. Last evaluated: 2021-08-13. Review status: criteria provided, single submitter. Criteria: ACMG Guidelines, 2015. Collection method: clinical testing. Allele origin: unknown.

Knight Diagnostic Laboratories, Oregon Health and Sciences University
Classification: Uncertain significance for Noonan syndrome 8. Last evaluated: 2019-03-21. Review status: criteria provided, single submitter. Criteria: ACMG Guidelines, 2015. Collection method: clinical testing. Allele origin: germline. Observed: 1 variant allele.

GeneDx
Classification: Uncertain significance. Last evaluated: 2017-08-14. Review status: criteria provided, single submitter. Criteria: GeneDx Variant Classification (06012015). Collection method: clinical testing. Allele origin: germline. Affected: yes.
Comment: The A192V variant has not been published as a pathogenic variant, nor has it been reported as a benign variant to our knowledge. It was not observed at a significant frequency in approximately 6,500 individuals of European and African American ancestry in the NHLBI Exome Sequencing Project, indicating it is not a common benign variant in these populations. A192V is a conservative amino acid substitution, which is not likely to impact secondary protein structure as these residues share similar properties. This substitution occurs at a position that is conserved across species, yet, in silico analysis is inconsistent in its predictions as to whether or not the variant is damaging to the protein structure/function. Therefore, based on the currently available information, it is unclear whether this variant is a pathogenic variant or a rare benign variant.